The following is an entry in ClinVar:

ClinVar aggregate classification (germline): Likely benign (1 of 4 stars; one submission).

Submission:

CeGaT Center for Human Genetics Tuebingen
Classification: Likely benign. Last evaluated: 2024-09-01. Review status: criteria provided, single submitter. Criteria: CeGaT Center For Human Genetics Tuebingen Variant Classification Criteria Version 2. Collection method: clinical testing. Allele origin: germline. Affected: yes. Observed: 1 variant allele.
Comment: SNCAIP: PM2:Supporting, BP4, BP7

NM_005460.4(SNCAIP):c.1272T>A (p.Ile424=)

Gene: SNCAIP (synuclein alpha interacting protein; plus strand). Cytogenetic location: 5q23.2.
Variant type: single nucleotide variant.
Coding change: c.1272T>A on transcript NM_005460.4 (MANE Select); coding-DNA position 1272, T replaced by A.
Protein change: p.Ile424=; no amino-acid change (isoleucine 424 retained).
Molecular consequence: synonymous variant. On other transcripts: non-coding transcript variant (2), intron variant (1).
Genome position (GRCh38, 1-based): chr5:122,432,058, T>A. VCF-style: chr5-122432058-T-A. GRCh37 (hg19) VCF-style: chr5-121767753-T-A.
Other names: c.174T>A, p.Ile58= (NM_001242935.3, NM_001308107.2); c.1413T>A, p.Ile471= (NM_001308100.2); c.1092T>A, p.Ile364= (NM_001308105.1); c.168T>A, p.Ile56= (NM_001308106.1); c.354T>A, p.Ile118= (NM_001308108.1); c.85-8571T>A (NM_001308109.2).
Identifiers: ClinVar variation 3389595 (VCV003389595.14).